The following is an entry in ClinVar:

ClinVar aggregate classification (germline): Uncertain significance (1 of 4 stars; one submission).

Conditions:
Hereditary sensory and autonomic neuropathy type 7. Also called: Neuropathy, hereditary sensory and autonomic, type VII; HSAN VII. Identifiers: Orphanet 391397, MedGen C3809882, MONDO:0014244, OMIM 615548.
Familial episodic pain syndrome with predominantly lower limb involvement. Also called: Episodic pain syndrome, familial, 3. Identifiers: Orphanet 391384, Orphanet 391392, MedGen C3809899, MONDO:0014247, OMIM 615552.

Submission:

Labcorp Genetics (formerly Invitae), Labcorp
Classification: Uncertain significance for Familial episodic pain syndrome with predominantly lower limb involvement; Hereditary sensory and autonomic neuropathy type 7. Last evaluated: 2020-11-17. Review status: criteria provided, single submitter. Criteria: Invitae Variant Classification Sherloc (09022015). Collection method: clinical testing. Allele origin: germline.
Comment: This sequence change replaces glycine with arginine at codon 547 of the SCN11A protein (p.Gly547Arg). The glycine residue is moderately conserved and there is a moderate physicochemical difference between glycine and arginine. The frequency data for this variant in the population databases is not available, as this variant may be reported as separate entries in the ExAC database. This variant has not been reported in the literature in individuals with SCN11A-related conditions. Experimental studies and prediction algorithms are not available or were not evaluated, and the functional significance of this variant is currently unknown. Algorithms developed to predict the effect of sequence changes on RNA splicing suggest that this variant may create or strengthen a splice site, but this prediction has not been confirmed by published transcriptional studies. In summary, the available evidence is currently insufficient to determine the role of this variant in disease. Therefore, it has been classified as a Variant of Uncertain Significance.

NM_001349253.2(SCN11A):c.1638_1639inv (p.Gly547Arg)

Gene: SCN11A (sodium voltage-gated channel alpha subunit 11; minus strand). Cytogenetic location: 3p22.2.
Variant type: Inversion.
Coding change: c.1638_1639inv on transcript NM_001349253.2 (MANE Select).
Protein change: p.Gly547Arg; replaces glycine 547 with arginine.
Molecular consequence: missense variant.
Genome position: GRCh38 VCF-style: chr3-38904068-CA-TG. GRCh37 (hg19) VCF-style: chr3-38945559-CA-TG.
Other names: c.1638_1639inv, p.Gly547Arg (NM_014139.3); short protein forms G547R.
Identifiers: ClinVar variation 1363413 (VCV001363413.6), ClinGen allele CA2573136998.